The following is an entry in ClinVar:

NM_001385.3(DPYS):c.1137C>A (p.Ser379Arg)

Gene: DPYS (dihydropyrimidinase; minus strand). Cytogenetic location: 8q22.3.
Variant type: single nucleotide variant.
Coding change: c.1137C>A on transcript NM_001385.3 (MANE Select); coding-DNA position 1137, C replaced by A.
Protein change: p.Ser379Arg; replaces serine 379 with arginine.
Molecular consequence: missense variant.
Genome position (GRCh38, 1-based): chr8:104,424,345, G>T on the plus strand (C>A on the coding strand, the complement: DPYS is on the minus strand). VCF-style: chr8-104424345-G-T. GRCh37 (hg19) VCF-style: chr8-105436573-G-T.
Other names: short protein forms S379R.
Identifiers: ClinVar variation 372797 (VCV000372797.37), dbSNP rs201258823, ClinGen allele CA4838350.
Genomic context (GRCh38, chr8:104,424,345, plus strand): 5'-TGATCCTACAGCTATTCTTCCTTTTCTTGGATAGAGATTAAAAATTTTGGCTGCATTTGT[G>T]CTGGTAACTGCCACAAATCTGTTTTCATCCATTTTACCACTATGCTGTAAAGCAATTCAA-3'
Protein context (NP_001376.1, residues 369-389): MDENRFVAVT[Ser379Arg]TNAAKIFNLY

ClinVar aggregate classification (germline): Pathogenic/Likely pathogenic. Review status: criteria provided, multiple submitters, no conflicts (2 of 4 stars). 10 submissions from 10 submitters: Pathogenic (2); Likely pathogenic (7). 1 of the submissions does not count toward it. Last evaluated 2025-09-12.

Conditions:
Inborn genetic diseases. Identifiers: MedGen C0950123, MeSH D030342.
Dihydropyrimidinase deficiency (DPYSD). Also called: DPH DEFICIENCY; DPYS DEFICIENCY; dihydropyrimidinuria. Identifiers: Orphanet 38874, MedGen C0342803, MONDO:0009111, OMIM 222748.
DPYS-related disorders.

Allele frequency attached by ClinVar (database versions not stated): ExAC 0.00007; gnomAD exomes 0.00009 and 0.00013; TOPMed 0.00013; gnomAD 0.00015 and 0.00016.
gnomAD v4.1: 225 of 1,613,874 alleles (0.014%); highest among the groups gnomAD compares: Middle Eastern, 0.099%; no homozygotes.

Submissions (10):

GeneDx
Classification: Likely pathogenic. Last evaluated: 2025-09-12. Review status: criteria provided, single submitter. Criteria: GeneDx Variant Classification Process June 2021. Collection method: clinical testing. Allele origin: germline. Affected: yes.
Comment: Published functional studies demonstrate a damaging effect with reduced or absent activity of protein function and lower expression level compared to wild type (PMID: 20362666, 28642038); In silico analysis supports that this missense variant has a deleterious effect on protein structure/function; This variant is associated with the following publications: (PMID: 20362666, 32707991, 34426522, 31589614, 28642038, 38199782)

Labcorp Genetics (formerly Invitae), Labcorp
Classification: Pathogenic. Last evaluated: 2025-07-05. Review status: criteria provided, single submitter. Criteria: Invitae Variant Classification Sherloc (09022015). Collection method: clinical testing. Allele origin: germline.
Comment: This sequence change replaces serine, which is neutral and polar, with arginine, which is basic and polar, at codon 379 of the DPYS protein (p.Ser379Arg). This variant is present in population databases (rs201258823, gnomAD 0.02%). This missense change has been observed in individuals with clinical features of dihydropyrimidinase deficiency (PMID: 20362666). ClinVar contains an entry for this variant (Variation ID: 372797). Invitae Evidence Modeling of protein sequence and biophysical properties (such as structural, functional, and spatial information, amino acid conservation, physicochemical variation, residue mobility, and thermodynamic stability) indicates that this missense variant is expected to disrupt DPYS protein function with a positive predictive value of 80%. Experimental studies have shown that this missense change affects DPYS function (PMID: 20362666, 28642038). For these reasons, this variant has been classified as Pathogenic.

Ambry Genetics
Classification: Pathogenic for Inborn genetic diseases. Last evaluated: 2025-05-28. Review status: criteria provided, single submitter. Criteria: Ambry Variant Classification Scheme 2023. Collection method: clinical testing. Allele origin: germline.
Comment: The c.1137C>A (p.S379R) alteration is located in exon 7 (coding exon 7) of the DPYS gene. This alteration results from a C to A substitution at nucleotide position 1137, causing the serine (S) at amino acid position 379 to be replaced by an arginine (R). Based on data from gnomAD, the A allele has an overall frequency of 0.01% (28/282580) total alleles studied. The highest observed frequency was 0.028% (2/7212) of Other alleles. This variant has been identified in the homozygous state and/or in conjunction with other DYPS variant(s) in individual(s) with features consistent with dihydropyrimidinuria (van Kuilenburg, 2010). This amino acid position is highly conserved in available vertebrate species. In an assay testing DYPS function, this variant showed a functionally abnormal result (van Kuilenburg, 2010; Hishinuma, 2017). This alteration is predicted to be deleterious by in silico analysis. Based on the available evidence, this alteration is classified as pathogenic.

Blueprint Genetics
Classification: Likely pathogenic for DPYS-related disorders. Last evaluated: 2024-09-17. Review status: criteria provided, single submitter. Criteria: ACMG Guidelines, 2015. Collection method: clinical testing. Allele origin: germline. Affected: yes. Observed: 5 variant alleles.

Department of Pathology and Laboratory Medicine, Sinai Health System
Classification: Likely pathogenic for dihydropyrimidinuria. Last evaluated: 2023-09-18. Review status: criteria provided, single submitter. Criteria: ACMG Guidelines, 2015. Collection method: research. Allele origin: germline.

Laboratorio de Genetica e Diagnostico Molecular, Hospital Israelita Albert Einstein
Classification: Likely pathogenic for Dihydropyrimidinase deficiency. Last evaluated: 2022-10-29. Review status: criteria provided, single submitter. Criteria: ACMG Guidelines, 2015. Collection method: clinical testing. Allele origin: germline. Affected: yes. Observed: 1 variant allele.
Comment: ACMG classification criteria: PS3 supporting, PM2 moderated, PM3 moderated, PP3 supporting

Dasa
Classification: Likely pathogenic for Dihydropyrimidinase deficiency. Last evaluated: 2022-06-10. Review status: criteria provided, single submitter. Criteria: ACMG Guidelines, 2015. Collection method: clinical testing. Allele origin: germline. Affected: yes. Observed: 1 variant allele.
Comment: The c.1137C>A;p.(Ser379Arg) missense change has been observed in affected individual(s) and ClinVar contains an entry for this variant (ClinVar ID: 372797; PMID: 20362666; 28642038) - PS4.Well-established in vitro or in vivo functional studies supportive of a damaging effect on the gene or gene product (PMID: 28642038) - PS3_supporting. The variant is present at low allele frequencies population databases (rs201258823– gnomAD 0.001511%; ABraOM 0.000427 frequency) -PM2_supporting. The p.(Ser379Arg) was detected in trans with a Pathogenic variant (PMID: 20362666; 28642038) - PM3. Multiple lines of computational evidence support a deleterious effect on the gene or gene product - PP3. In summary, the currently available evidence indicates that the variant is Likely Pathogenic

Molecular Genetics, Royal Melbourne Hospital
Classification: Likely pathogenic for Dihydropyrimidinase deficiency. Last evaluated: 2020-05-28. Review status: criteria provided, single submitter. Criteria: ACMG Guidelines, 2015. Collection method: clinical testing. Allele origin: germline. Affected: yes.
Comment: This sequence change is predicted to replace serine with arginine at codon 379 of the DPYS protein (p.Ser379Arg). The serine residue is highly conserved (100 vertebrates, UCSC), and is located in the amidohydrolase domain. There is a large physicochemical difference between serine and arginine. The variant is present in a large population cohort at a frequency of 0.01%, which is consistent with a recessive condition (PM2; rs201258823, 28/282,580 alleles, 0 homozygotes in gnomAD v2.1). The variant has been identified homozygous and compound heterozygous with a second allele in at least four dihydropyrimidinase deficiency cases with a variable phenotype and elevated levels of dihydrouracil, dihydrothymine, uracil, and thymine in urine and plasma samples (PM3, PP4; PMID: 20362666). Additionally, the variant impairs enzyme activity in in vitro functional assays (PS3_Supporting; PMID: 20362666, 28642038). Multiple lines of computational evidence predict a deleterious effect for the missense substitution (PP3; 7/7 algorithms). Based on the classification scheme RMH ACMG Guidelines v1.2.1, this variant is classified as LIKELY PATHOGENIC. Following criteria are met: PM2, PM3, PS3_Supporting, PP3, PP4.

Illumina Laboratory Services, Illumina
Classification: Likely pathogenic for Dihydropyrimidinase deficiency. Last evaluated: 2018-08-31. Review status: criteria provided, single submitter. Criteria: ICSL Variant Classification Criteria 09 May 2019. Collection method: clinical testing. Allele origin: germline.
Comment: The DPYS c.1137C>A (p.Ser379Arg) missense variant has been reported in one study in which it was found in a total of four unrelated individuals with dihydropyrimidinase deficiency, including three in a homozygous state and one in a compound heterozygous state (van Kuilenburg et al. 2010). Control data are unavailable for this variant, which is reported at a frequency of 0.000190 in the European (non-Finnish) population of the Genome Aggregation Database. Functional studies in E. coli demonstrated the p.Ser379Arg variant results in significantly reduced levels of protein expression and residual enzyme activity of less than 1% (van Kuilenburg et al. 2010). Protein modelling suggested that the Ser379 residue is highly conserved and the p.Ser379Arg variant may result in enzyme misfolding (van Kuilenburg et al. 2010). Expression in 293FT cells found the p.Ser379Arg variant exhibited reduced protein levels, oligomer formation, and a shorter half-life compared to wildtype (Hishinuma et al. 2017). Based on the evidence, the p.Ser379Arg variant is classified as likely pathogenic for dihydropyrimidinase deficiency. This variant was observed by ICSL as part of a predisposition screen in an ostensibly healthy population.

Clinical Laboratory Sciences Program (CLSP), King Saud bin Abdulaziz University for Health Sciences (KSAU-HS)
Classification: Pathogenic for Dihydropyrimidinase deficiency. Last evaluated: 2023-04-01. Review status: no assertion criteria provided. Collection method: clinical testing. Allele origin: germline. Affected: yes. Not counted in ClinVar's aggregate classification.

Literature cited by the submitters: PubMed 20362666 (cited by 5 submitters); PubMed 28642038 (cited by 5 submitters).